The following is an entry in ClinVar:

NM_020312.4(COQ9):c.522-1G>A

Gene: COQ9 (coenzyme Q9; plus strand). Cytogenetic location: 16q21.
Variant type: single nucleotide variant.
Coding change: c.522-1G>A on transcript NM_020312.4 (MANE Select); the canonical splice acceptor site of the intron before coding-DNA position 522, G replaced by A.
Molecular consequence: splice acceptor variant.
Genome position (GRCh38, 1-based): chr16:57,456,930, G>A. VCF-style: chr16-57456930-G-A. GRCh37 (hg19) VCF-style: chr16-57490842-G-A.
Identifiers: ClinVar variation 1324162 (VCV001324162.8), dbSNP rs747898678, ClinGen allele CA8076256.
Genomic context (GRCh38, chr16:57,456,930, plus strand): 5'-GTGGAGCACTGAGCCCCTGCCTTTCACTCAGAGACACACTGTTTTCTTTTCCCTCTTCCA[G>A]GAAGAGGAAGACAGACCAGTTCCTGAGGGATGCAGTGGAAACCAGACTGAGAATGCTGAT-3'

ClinVar aggregate classification (germline): Likely pathogenic. Review status: criteria provided, multiple submitters, no conflicts (2 of 4 stars). 2 submissions from 2 submitters: Likely pathogenic (2). Last evaluated 2022-10-05.

Conditions:
Encephalopathy-hypertrophic cardiomyopathy-renal tubular disease syndrome. Identifiers: Orphanet 319678, MedGen C3553374, MONDO:0013840, OMIM 614654.

Allele frequency attached by ClinVar (database versions not stated): gnomAD 0.00001; gnomAD exomes 0.00001; TOPMed 0.00001; ExAC 0.00001.
gnomAD v4.1: 13 of 1,612,472 alleles (0.00081%); highest among the groups gnomAD compares: Non-Finnish European, 0.001%; no homozygotes.

Submissions (2):

Labcorp Genetics (formerly Invitae), Labcorp
Classification: Likely pathogenic. Last evaluated: 2022-10-05. Review status: criteria provided, single submitter. Criteria: Invitae Variant Classification Sherloc (09022015). Collection method: clinical testing. Allele origin: germline.
Comment: Algorithms developed to predict the effect of sequence changes on RNA splicing suggest that this variant may disrupt the consensus splice site. In summary, the currently available evidence indicates that the variant is pathogenic, but additional data are needed to prove that conclusively. Therefore, this variant has been classified as Likely Pathogenic. ClinVar contains an entry for this variant (Variation ID: 1324162). This variant has not been reported in the literature in individuals affected with COQ9-related conditions. This variant is present in population databases (rs747898678, gnomAD 0.004%). This sequence change affects an acceptor splice site in intron 4 of the COQ9 gene. It is expected to disrupt RNA splicing. Variants that disrupt the donor or acceptor splice site typically lead to a loss of protein function (PMID: 16199547), and loss-of-function variants in COQ9 are known to be pathogenic (PMID: 19375058, 26081641).

Revvity Omics, Revvity
Classification: Likely pathogenic for Encephalopathy-hypertrophic cardiomyopathy-renal tubular disease syndrome. Last evaluated: 2021-04-23. Review status: criteria provided, single submitter. Criteria: ACMG Guidelines, 2015. Collection method: clinical testing. Allele origin: germline.

Literature cited by the submitters: PubMed 16199547 (cited by Labcorp Genetics (formerly Invitae), Labcorp); PubMed 19375058 (cited by Labcorp Genetics (formerly Invitae), Labcorp); PubMed 26081641 (cited by Labcorp Genetics (formerly Invitae), Labcorp).